The following is an entry in ClinVar:

NM_024422.6(DSC2):c.1866G>A (p.Met622Ile)

Gene: DSC2 (desmocollin 2; minus strand). Cytogenetic location: 18q12.1.
Variant type: single nucleotide variant.
Coding change: c.1866G>A on transcript NM_024422.6 (MANE Select); coding-DNA position 1866, G replaced by A.
Protein change: p.Met622Ile; replaces methionine 622 with isoleucine.
Molecular consequence: missense variant.
Genome position (GRCh38, 1-based): chr18:31,074,705, C>T on the plus strand (G>A on the coding strand, the complement: DSC2 is on the minus strand). VCF-style: chr18-31074705-C-T. GRCh37 (hg19) VCF-style: chr18-28654671-C-T.
Other names: c.1866G>A, p.Met622Ile (NM_004949.5); short protein forms M622I.
Identifiers: ClinVar variation 1171391 (VCV001171391.2), dbSNP rs2144799406, ClinGen allele CA402113774.

ClinVar aggregate classification (germline): Uncertain significance (1 of 4 stars; one submission).

Conditions:
Cardiomyopathy (CMYO). Also called: Cardiomyopathies. Identifiers: Orphanet 167848, MedGen C0878544, MONDO:0004994, HP:0001638. Inheritance: Various modes of inheritance.

Submission:

Color Diagnostics, LLC DBA Color Health
Classification: Uncertain significance for Cardiomyopathy. Last evaluated: 2021-02-17. Review status: criteria provided, single submitter. Criteria: ACMG Guidelines, 2015. Collection method: clinical testing. Allele origin: germline.
Comment: This missense variant replaces methionine with isoleucine at codon 622 of the DSC2 protein. Computational prediction suggests that this variant may not impact protein structure and function (internally defined REVEL score threshold <= 0.5, PMID: 27666373). To our knowledge, functional studies have not been reported for this variant. This variant has not been reported in individuals affected with cardiovascular disorders in the literature. This variant has not been identified in the general population by the Genome Aggregation Database (gnomAD). The available evidence is insufficient to determine the role of this variant in disease conclusively. Therefore, this variant is classified as a Variant of Uncertain Significance.